The following is an entry in ClinVar:

ClinVar aggregate classification (germline): Uncertain significance (1 of 4 stars; one submission).

Conditions:
PLXNA1-related disorder. Also called: PLXNA1-related condition.

gnomAD v4.1: 17 of 1,606,054 alleles (0.0011%); highest among the groups gnomAD compares: African/African-American, 0.0013%; no homozygotes.

Submission:

PreventionGenetics, part of Exact Sciences
Classification: Uncertain significance for PLXNA1-related condition. Last evaluated: 2026-04-13. Review status: criteria provided, single submitter. Criteria: ACMG Guidelines, 2015. Collection method: clinical testing. Allele origin: germline.
Comment: The PLXNA1 c.5639G>A variant is predicted to result in the amino acid substitution p.Arg1880Gln. To our knowledge, this variant has not been reported in the literature. This variant is reported in 0.0069% of alleles in individuals of African descent in gnomAD. At this time, the clinical significance of this variant is uncertain due to the absence of conclusive functional and genetic evidence.

NM_032242.4(PLXNA1):c.5639G>A (p.Arg1880Gln)

Gene: PLXNA1 (plexin A1; plus strand). Cytogenetic location: 3q21.3.
Variant type: single nucleotide variant.
Coding change: c.5639G>A on transcript NM_032242.4 (MANE Select); coding-DNA position 5639, G replaced by A.
Protein change: p.Arg1880Gln; replaces arginine 1880 with glutamine.
Molecular consequence: missense variant.
Genome position (GRCh38, 1-based): chr3:127,033,965, G>A. VCF-style: chr3-127033965-G-A. GRCh37 (hg19) VCF-style: chr3-126752808-G-A.
Other names: short protein forms R1880Q.
Identifiers: ClinVar variation 4979645 (VCV004979645.1).